The following is an entry in ClinVar:

ClinVar aggregate classification (germline): Uncertain significance (1 of 4 stars; one submission).

Submission:

Labcorp Genetics (formerly Invitae), Labcorp
Classification: Uncertain significance. Last evaluated: 2025-01-10. Review status: criteria provided, single submitter. Criteria: Invitae Variant Classification Sherloc (09022015). Collection method: clinical testing. Allele origin: germline.
Comment: This sequence change replaces threonine, which is neutral and polar, with alanine, which is neutral and non-polar, at codon 569 of the PIBF1 protein (p.Thr569Ala). This variant is present in population databases (rs114578897, gnomAD 0.006%). This variant has not been reported in the literature in individuals affected with PIBF1-related conditions. Invitae Evidence Modeling of protein sequence and biophysical properties (such as structural, functional, and spatial information, amino acid conservation, physicochemical variation, residue mobility, and thermodynamic stability) has been performed for this missense variant. However, the output from this modeling did not meet the statistical confidence thresholds required to predict the impact of this variant on PIBF1 protein function. In summary, the available evidence is currently insufficient to determine the role of this variant in disease. Therefore, it has been classified as a Variant of Uncertain Significance.

NM_006346.4(PIBF1):c.1705A>G (p.Thr569Ala)

Gene: PIBF1 (progesterone immunomodulatory binding factor 1; plus strand). Cytogenetic location: 13q22.1.
Variant type: single nucleotide variant.
Coding change: c.1705A>G on transcript NM_006346.4 (MANE Select); coding-DNA position 1705, A replaced by G.
Protein change: p.Thr569Ala; replaces threonine 569 with alanine.
Molecular consequence: missense variant. On other transcripts: non-coding transcript variant (2).
Genome position (GRCh38, 1-based): chr13:72,917,141, A>G. VCF-style: chr13-72917141-A-G. GRCh37 (hg19) VCF-style: chr13-73491279-A-G.
Other names: c.1792A>G, p.Thr598Ala (NM_001349655.2); short protein forms T569A, T598A.
Identifiers: ClinVar variation 3665551 (VCV003665551.2).
Genomic context (GRCh38, chr13:72,917,141, plus strand): 5'-AATGAAGATGAGGCTGAAAGGGTTCTTTTTTCCTACGGCTATGGTGCTAATGTTCCCACA[A>G]CAGCCAAAAGACGACTAAAGCAAAGGTAAAATCAATATATATTTATTTTATTTATCTACT-3'
Protein context (NP_006337.2, residues 559-579): SYGYGANVPT[Thr569Ala]AKRRLKQSVH